The following is an entry in ClinVar:

NM_020738.4(KIDINS220):c.1480C>T (p.Leu494Phe)

Gene: KIDINS220 (kinase D interacting substrate 220; minus strand). Cytogenetic location: 2p25.1.
Variant type: single nucleotide variant.
Coding change: c.1480C>T on transcript NM_020738.4 (MANE Select); coding-DNA position 1480, C replaced by T.
Protein change: p.Leu494Phe; replaces leucine 494 with phenylalanine.
Molecular consequence: missense variant. On other transcripts: non-coding transcript variant (2).
Genome position (GRCh38, 1-based): chr2:8,790,021, G>A on the plus strand (C>T on the coding strand, the complement: KIDINS220 is on the minus strand). VCF-style: chr2-8790021-G-A. GRCh37 (hg19) VCF-style: chr2-8930151-G-A.
Other names: c.1483C>T, p.Leu495Phe (NM_001348729.2, NM_001348731.2, NM_001348734.2 and 3 more transcripts); c.1480C>T, p.Leu494Phe (NM_001348732.2, NM_001348735.2, NM_001348738.2 and 3 more transcripts); c.1354C>T, p.Leu452Phe (NM_001348736.2); short protein forms L495F, L452F, L494F.
Identifiers: ClinVar variation 2787858 (VCV002787858.3), dbSNP rs1322520324, ClinGen allele CA345768011.

ClinVar aggregate classification (germline): Uncertain significance (1 of 4 stars; one submission).

Allele frequency attached by ClinVar (database versions not stated): gnomAD 0.00001.
gnomAD v4.1: 1 of 1,608,234 alleles (0.000062%); highest among the groups gnomAD compares: South Asian, 0.0011%; no homozygotes.

Submission:

Labcorp Genetics (formerly Invitae), Labcorp
Classification: Uncertain significance. Last evaluated: 2023-08-02. Review status: criteria provided, single submitter. Criteria: Invitae Variant Classification Sherloc (09022015). Collection method: clinical testing. Allele origin: germline.
Comment: This sequence change replaces leucine, which is neutral and non-polar, with phenylalanine, which is neutral and non-polar, at codon 494 of the KIDINS220 protein (p.Leu494Phe). In summary, the available evidence is currently insufficient to determine the role of this variant in disease. Therefore, it has been classified as a Variant of Uncertain Significance. An algorithm developed to predict the effect of missense changes on protein structure and function (PolyPhen-2) suggests that this variant is likely to be disruptive. This variant has not been reported in the literature in individuals affected with KIDINS220-related conditions. This variant is present in population databases (no rsID available, gnomAD 0.004%).